The following is an entry in ClinVar:

NM_144670.6(A2ML1):c.621T>C (p.Gly207=)

Gene: A2ML1 (alpha-2-macroglobulin like 1; plus strand). Cytogenetic location: 12p13.31.
Variant type: single nucleotide variant.
Coding change: c.621T>C on transcript NM_144670.6 (MANE Select); coding-DNA position 621, T replaced by C.
Protein change: p.Gly207=; no amino-acid change (glycine 207 retained).
Molecular consequence: synonymous variant.
Genome position (GRCh38, 1-based): chr12:8,835,644, T>C. VCF-style: chr12-8835644-T-C. GRCh37 (hg19) VCF-style: chr12-8988240-T-C.
Identifiers: ClinVar variation 224925 (VCV000224925.18), dbSNP rs145494834, ClinGen allele CA356457.

ClinVar aggregate classification (germline): Benign/Likely benign. Review status: criteria provided, multiple submitters, no conflicts (2 of 4 stars). 6 submissions from 6 submitters: Benign (4); Likely benign (1). 1 of the submissions does not count toward it. Last evaluated 2026-01-26.

Conditions:
A2ML1-related disorder. Also called: A2ML1-related condition.

Allele frequency attached by ClinVar (database versions not stated): ESP Exome Variant Server 0.00154; gnomAD 0.00198 and 0.00210; gnomAD exomes 0.00231 and 0.00376; TOPMed 0.00254; 1000 Genomes Project 30x 0.00375; ExAC 0.00410; 1000 Genomes Project 0.00419.
gnomAD v4.1: 3,833 of 1,614,176 alleles (0.24%); highest among the groups gnomAD compares: Middle Eastern, 1.7%; 44 homozygotes.

Submissions (6):

Labcorp Genetics (formerly Invitae), Labcorp
Classification: Benign. Last evaluated: 2026-01-26. Review status: criteria provided, single submitter. Criteria: Invitae Variant Classification Sherloc (09022015). Collection method: clinical testing. Allele origin: germline.

Ambry Genetics
Classification: Likely benign. Last evaluated: 2022-03-04. Review status: criteria provided, single submitter. Criteria: Ambry Variant Classification Scheme 2023. Collection method: clinical testing. Allele origin: germline.

Women's Health and Genetics/Laboratory Corporation of America, LabCorp
Classification: Benign. Last evaluated: 2019-11-02. Review status: criteria provided, single submitter. Criteria: LabCorp Variant Classification Summary - May 2015. Collection method: clinical testing. Allele origin: germline.

GeneDx
Classification: Benign. Last evaluated: 2017-10-20. Review status: criteria provided, single submitter. Criteria: GeneDx Variant Classification (06012015). Collection method: clinical testing. Allele origin: germline. Affected: yes.
Comment: This variant is considered likely benign or benign based on one or more of the following criteria: it is a conservative change, it occurs at a poorly conserved position in the protein, it is predicted to be benign by multiple in silico algorithms, and/or has population frequency not consistent with disease.

Breakthrough Genomics
Classification: Benign. Review status: criteria provided, single submitter. Criteria: ACMG Guidelines, 2015. Collection method: not provided. Allele origin: germline. Inheritance: Autosomal dominant inheritance. Affected: yes.

PreventionGenetics, part of Exact Sciences
Classification: Benign for A2ML1-related condition. Last evaluated: 2019-05-07. Review status: no assertion criteria provided. Collection method: clinical testing. Allele origin: germline. Not counted in ClinVar's aggregate classification.
Comment: This variant is classified as benign based on ACMG/AMP sequence variant interpretation guidelines (Richards et al. 2015 PMID: 25741868, with internal and published modifications).